The following is an entry in ClinVar:

NM_000222.3(KIT):c.1358C>T (p.Ser453Phe)

Gene: KIT (KIT proto-oncogene, receptor tyrosine kinase; plus strand). Cytogenetic location: 4q12.
Variant type: single nucleotide variant.
Coding change: c.1358C>T on transcript NM_000222.3 (MANE Select); coding-DNA position 1358, C replaced by T.
Protein change: p.Ser453Phe; replaces serine 453 with phenylalanine.
Molecular consequence: missense variant.
Genome position (GRCh38, 1-based): chr4:54,725,868, C>T. VCF-style: chr4-54725868-C-T. GRCh37 (hg19) VCF-style: chr4-55592034-C-T.
Other names: c.1358C>T, p.Ser453Phe (NM_001093772.2, NM_001385285.1, NM_001385286.1); c.1361C>T, p.Ser454Phe (NM_001385284.1, NM_001385288.1, NM_001385290.1 and 1 more transcripts); short protein forms S453F, S454F.
Identifiers: ClinVar variation 1770743 (VCV001770743.6), dbSNP rs2109768065, ClinGen allele CA356906232.

ClinVar aggregate classification (germline): Uncertain significance. Review status: criteria provided, multiple submitters, no conflicts (2 of 4 stars). 2 submissions from 2 submitters: Uncertain significance (2). Last evaluated 2025-09-10.

Conditions:
Gastrointestinal stromal tumor. Also called: Gastrointestinal stromal tumor, somatic; Gastrointestinal stroma tumor. Identifiers: Orphanet 44890, MedGen C0238198, MeSH D046152, MONDO:0011719, OMIM 606764, HP:0100723.
Hereditary cancer-predisposing syndrome. Also called: Neoplastic Syndromes, Hereditary; Tumor predisposition; Hereditary Cancer Syndrome; Hereditary neoplastic syndrome. Identifiers: Orphanet 140162, MedGen C0027672, MeSH D009386, MONDO:0015356.

Submissions (2):

Ambry Genetics
Classification: Uncertain significance for Hereditary cancer-predisposing syndrome. Last evaluated: 2025-09-10. Review status: criteria provided, single submitter. Criteria: Ambry Variant Classification Scheme 2023. Collection method: clinical testing. Allele origin: germline.
Comment: The p.S453F variant (also known as c.1358C>T), located in coding exon 9 of the KIT gene, results from a C to T substitution at nucleotide position 1358. The serine at codon 453 is replaced by phenylalanine, an amino acid with highly dissimilar properties. This amino acid position is not well conserved in available vertebrate species. In addition, this alteration is predicted to be tolerated by in silico analysis. Based on the available evidence, the clinical significance of this variant remains unclear.

Labcorp Genetics (formerly Invitae), Labcorp
Classification: Uncertain significance for Gastrointestinal stromal tumor. Last evaluated: 2022-11-01. Review status: criteria provided, single submitter. Criteria: Invitae Variant Classification Sherloc (09022015). Collection method: clinical testing. Allele origin: germline.
Comment: This sequence change replaces serine, which is neutral and polar, with phenylalanine, which is neutral and non-polar, at codon 453 of the KIT protein (p.Ser453Phe). This variant is not present in population databases (gnomAD no frequency). This variant has not been reported in the literature in individuals affected with KIT-related conditions. Algorithms developed to predict the effect of missense changes on protein structure and function are either unavailable or do not agree on the potential impact of this missense change (SIFT: "Deleterious"; PolyPhen-2: "Possibly Damaging"; Align-GVGD: "Class C15"). In summary, the available evidence is currently insufficient to determine the role of this variant in disease. Therefore, it has been classified as a Variant of Uncertain Significance.